The following is an entry in ClinVar:

NM_000346.4(SOX9):c.704del (p.Pro235fs)

Gene: SOX9 (SRY-box transcription factor 9; plus strand). Cytogenetic location: 17q24.3.
Variant type: Deletion.
Coding change: c.704del on transcript NM_000346.4 (MANE Select); coding-DNA position 704, one base deleted (C; older notation c.704delC).
Protein change: p.Pro235fs; shifts the reading frame from proline 235.
Molecular consequence: frameshift variant.
Genome position (GRCh38, 1-based): chr17:72,123,561, C deleted; the last of 2 consecutive C bases (chr17:72,123,560-72,123,561); deleting either gives the same sequence. VCF-style (leftmost placement, unchanged base first): chr17-72123559-AC-A. GRCh37 (hg19) VCF-style: chr17-70119700-AC-A.
Other names: short protein forms P235fs.
Identifiers: ClinVar variation 5042503 (VCV005042503.1).

ClinVar aggregate classification (germline): Pathogenic (1 of 4 stars; one submission).

Conditions:
Camptomelic dysplasia (CMPD). Also called: CMPD1/SRA1; Campomelic Dysplasia. Identifiers: Orphanet 140, MedGen C1861922, MONDO:0007251, OMIM 114290.

Submission:

Center for Pediatric Genomic Medicine, Children's Mercy Hospital and Clinics
Classification: Pathogenic for Camptomelic dysplasia. Last evaluated: 2021-12-01. Review status: criteria provided, single submitter. Criteria: ACMG Guidelines, 2015. Collection method: clinical testing. Allele origin: de novo. Affected: yes.
Comment: PVS1, PS2, PM2, PP4